The following is an entry in ClinVar:

ClinVar aggregate classification (germline): Uncertain significance (1 of 4 stars; one submission).

Conditions:
Fanconi anemia (FA). Also called: Fanconi's anemia. Identifiers: Orphanet 84, MedGen C0015625, MeSH D005199, MONDO:0019391.

Submission:

Labcorp Genetics (formerly Invitae), Labcorp
Classification: Uncertain significance for Fanconi anemia. Last evaluated: 2024-10-30. Review status: criteria provided, single submitter. Criteria: Invitae Variant Classification Sherloc (09022015). Collection method: clinical testing. Allele origin: germline.
Comment: This sequence change replaces tyrosine, which is neutral and polar, with histidine, which is basic and polar, at codon 213 of the FANCG protein (p.Tyr213His). This variant is not present in population databases (gnomAD no frequency). This variant has not been reported in the literature in individuals affected with FANCG-related conditions. Invitae Evidence Modeling of protein sequence and biophysical properties (such as structural, functional, and spatial information, amino acid conservation, physicochemical variation, residue mobility, and thermodynamic stability) indicates that this missense variant is not expected to disrupt FANCG protein function with a negative predictive value of 80%. In summary, the available evidence is currently insufficient to determine the role of this variant in disease. Therefore, it has been classified as a Variant of Uncertain Significance.

NM_004629.2(FANCG):c.637T>C (p.Tyr213His)

Gene: FANCG (FA complementation group G; minus strand). Cytogenetic location: 9p13.3.
Variant type: single nucleotide variant.
Coding change: c.637T>C on transcript NM_004629.2 (MANE Select); coding-DNA position 637, T replaced by C.
Protein change: p.Tyr213His; replaces tyrosine 213 with histidine.
Molecular consequence: missense variant.
Genome position (GRCh38, 1-based): chr9:35,077,273, A>G on the plus strand (T>C on the coding strand, the complement: FANCG is on the minus strand). VCF-style: chr9-35077273-A-G. GRCh37 (hg19) VCF-style: chr9-35077270-A-G.
Other names: short protein forms Y213H.
Identifiers: ClinVar variation 3719464 (VCV003719464.2).